The following is an entry in ClinVar:

ClinVar aggregate classification (germline): Uncertain significance (1 of 4 stars; one submission).

Submission:

GeneDx
Classification: Uncertain significance. Last evaluated: 2024-06-20. Review status: criteria provided, single submitter. Criteria: GeneDx Variant Classification Process June 2021. Collection method: clinical testing. Allele origin: germline. Affected: yes.
Comment: Not observed at significant frequency in large population cohorts (gnomAD); Has not been previously published as pathogenic or benign to our knowledge; Frameshift variant predicted to result in abnormal protein length as the last 1381 amino acids are replaced with 10 different amino acids in a gene for which loss-of-function is not an established mechanism of disease

NM_152703.5(SAMD9L):c.611dup (p.Asn204fs)

Gene: SAMD9L (sterile alpha motif domain containing 9 like; minus strand). Cytogenetic location: 7q21.2.
Variant type: Duplication.
Coding change: c.611dup on transcript NM_152703.5 (MANE Select); coding-DNA position 611, one base duplicated (A; older notation c.611dupA).
Protein change: p.Asn204fs; shifts the reading frame from asparagine 204.
Molecular consequence: frameshift variant.
Genome position (GRCh38, 1-based): chr7:93,135,361, T duplicated on the plus strand (A on the coding strand, the reverse complement: SAMD9L is on the minus strand); the first of 3 consecutive T bases (chr7:93,135,361-93,135,363); duplicating any one gives the same sequence. VCF-style (leftmost placement, unchanged base first): chr7-93135360-G-GT. GRCh37 (hg19) VCF-style: chr7-92764673-G-GT.
Other names: c.611dup, p.Asn204fs (NM_001303496.3, NM_001303497.3, NM_001303498.3 and 5 more transcripts); short protein forms N204fs.
Identifiers: ClinVar variation 3391689 (VCV003391689.1).
Genomic context (GRCh38, chr7:93,135,360, plus strand): 5'-AAATCGGAAGACTTCATTGCTGAATTTCATCTTAATGTCCACTTCCGTGGCTGTTTCTGT[G>GT]TTTGTGAGAGCTTTGAACTCATGTATTGGATCAATGAGATTGAGTGCTCCTGTTTCAGGT-3'